The following is an entry in ClinVar:

NM_032564.5(DGAT2):c.1065C>T (p.Ile355=)

Gene: DGAT2 (diacylglycerol O-acyltransferase 2; plus strand). Cytogenetic location: 11q13.5.
Variant type: single nucleotide variant.
Coding change: c.1065C>T on transcript NM_032564.5 (MANE Select); coding-DNA position 1065, C replaced by T.
Protein change: p.Ile355=; no amino-acid change (isoleucine 355 retained).
Molecular consequence: synonymous variant.
Genome position (GRCh38, 1-based): chr11:75,800,406, C>T. VCF-style: chr11-75800406-C-T. GRCh37 (hg19) VCF-style: chr11-75511451-C-T.
Other names: p.Ile355=; c.936C>T, p.Ile312= (NM_001253891.2).
Identifiers: ClinVar variation 4683657 (VCV004683657.2).

ClinVar aggregate classification (germline): Likely benign. Review status: criteria provided, multiple submitters, no conflicts (2 of 4 stars). 2 submissions from 2 submitters: Likely benign (2). Last evaluated 2026-06-17.

gnomAD v4.1: 120 of 1,614,060 alleles (0.0074%); highest among the groups gnomAD compares: Non-Finnish European, 0.0094%; no homozygotes.

Submissions (2):

Women's Health and Genetics/Laboratory Corporation of America, LabCorp
Classification: Likely benign. Last evaluated: 2026-06-17. Review status: criteria provided, single submitter. Criteria: LabCorp Variant Classification Summary - May 2015. Collection method: clinical testing. Allele origin: germline.
Comment: Variant summary: DGAT2 c.1065C>T alters a conserved nucleotide resulting in a synonymous change. Consensus agreement among computation tools predict no significant impact on normal splicing. However, these predictions have yet to be confirmed by functional studies. The variant allele was found at a frequency of 2.4e-05 in 251128 control chromosomes. The available data on variant occurrences in the general population are insufficient to allow any conclusion about variant significance. To our knowledge, no occurrence of c.1065C>T in individuals affected with DGAT2-related conditions and no experimental evidence demonstrating its impact on protein function have been reported. ClinVar contains an entry for this variant (Variation ID: 4683657). Based on the evidence outlined above, the variant was classified as likely benign.

Mayo Clinic Laboratories, Mayo Clinic
Classification: Likely benign. Last evaluated: 2025-03-17. Review status: criteria provided, single submitter. Criteria: ACMG Guidelines, 2015. Collection method: clinical testing. Allele origin: germline. Observed: 1 variant allele.
Comment: BP4, BP7